The following is an entry in ClinVar:

NM_006440.5(TXNRD2):c.1118T>C (p.Met373Thr)

Gene: TXNRD2 (thioredoxin reductase 2; minus strand). Cytogenetic location: 22q11.21.
Variant type: single nucleotide variant.
Coding change: c.1118T>C on transcript NM_006440.5 (MANE Select); coding-DNA position 1118, T replaced by C.
Protein change: p.Met373Thr; replaces methionine 373 with threonine.
Molecular consequence: missense variant. On other transcripts: non-coding transcript variant (1).
Genome position (GRCh38, 1-based): chr22:19,880,686, A>G on the plus strand (T>C on the coding strand, the complement: TXNRD2 is on the minus strand). VCF-style: chr22-19880686-A-G. GRCh37 (hg19) VCF-style: chr22-19868209-A-G.
Other names: c.1115T>C, p.Met372Thr (NM_001352300.2); c.1028T>C, p.Met343Thr (NM_001352301.2); c.830T>C, p.Met277Thr (NM_001352302.2); short protein forms M277T, M343T, M372T, M373T.
Identifiers: ClinVar variation 854651 (VCV000854651.8), dbSNP rs1938732295, ClinGen allele CA410682003.

ClinVar aggregate classification (germline): Uncertain significance (1 of 4 stars; one submission).

Conditions:
Primary dilated cardiomyopathy (DCM). Also called: Dilated Cardiomyopathy. Identifiers: Orphanet 217604, MedGen C0007193, MeSH D002311, MONDO:0005021, HP:0001644. Inheritance: Various modes of inheritance.

Submission:

Labcorp Genetics (formerly Invitae), Labcorp
Classification: Uncertain significance for Primary dilated cardiomyopathy. Last evaluated: 2019-02-04. Review status: criteria provided, single submitter. Criteria: Invitae Variant Classification Sherloc (09022015). Collection method: clinical testing. Allele origin: germline.
Comment: This variant is not present in population databases (ExAC no frequency). In summary, the available evidence is currently insufficient to determine the role of this variant in disease. Therefore, it has been classified as a Variant of Uncertain Significance. This variant has not been reported in the literature in individuals with TXNRD2-related conditions. Algorithms developed to predict the effect of missense changes on protein structure and function (SIFT, PolyPhen-2, Align-GVGD) all suggest that this variant is likely to be tolerated, but these predictions have not been confirmed by published functional studies and their clinical significance is uncertain. This sequence change replaces methionine with threonine at codon 373 of the TXNRD2 protein (p.Met373Thr). The methionine residue is weakly conserved and there is a moderate physicochemical difference between methionine and threonine.